The following is an entry in ClinVar:

NM_017849.4(TMEM127):c.100G>A (p.Ala34Thr)

Genes: TMEM127 (transmembrane protein 127; minus strand), LOC129934333 (ATAC-STARR-seq lymphoblastoid silent region 11759; plus strand). Cytogenetic location: 2q11.2.
Variant type: single nucleotide variant.
Coding change: c.100G>A on transcript NM_017849.4 (MANE Select); coding-DNA position 100, G replaced by A.
Protein change: p.Ala34Thr; replaces alanine 34 with threonine.
Molecular consequence: missense variant.
Genome position (GRCh38, 1-based): chr2:96,265,282, C>T on the plus strand (G>A on the coding strand, the complement: TMEM127 is on the minus strand). VCF-style: chr2-96265282-C-T. GRCh37 (hg19) VCF-style: chr2-96931020-C-T.
Other names: c.100G>A, p.Ala34Thr (NM_001193304.3); short protein forms A34T.
Identifiers: ClinVar variation 463833 (VCV000463833.12), dbSNP rs1553437740, ClinGen allele CA347656115.
Genomic context (GRCh38, chr2:96,265,282, plus strand): 5'-ACCAGGCGGGCTCGGCGAGGGCAGTGCACAGCGCCGTGATAGACAGGGCGCCAGGCAGGG[C>T]CGAGGCCAGGCTACGCTCCGGCTGCTTGGGCAGAGCGCTGCCTCCCGGGCTCCTCCGCCG-3'
Protein context (NP_060319.1, residues 24-44): PKQPERSLAS[Ala34Thr]LPGALSITAL

ClinVar aggregate classification (germline): Uncertain significance. Review status: criteria provided, multiple submitters, no conflicts (2 of 4 stars). 2 submissions from 2 submitters: Uncertain significance (2). Last evaluated 2025-03-28.

Conditions:
Hereditary cancer-predisposing syndrome. Also called: Neoplastic Syndromes, Hereditary; Hereditary neoplastic syndrome; Tumor predisposition; Hereditary Cancer Syndrome. Identifiers: Orphanet 140162, MedGen C0027672, MeSH D009386, MONDO:0015356.
Hereditary pheochromocytoma and paraganglioma. Also called: Hereditary Paraganglioma-Pheochromocytoma Syndromes; Hereditary paragangliomas and pheochromocytomas; Hereditary pheochromocytoma-paraganglioma. Identifiers: Orphanet 29072, MedGen C4274332, MONDO:0017366.

Submissions (2):

Ambry Genetics
Classification: Uncertain significance for Hereditary cancer-predisposing syndrome. Last evaluated: 2025-03-28. Review status: criteria provided, single submitter. Criteria: Ambry Variant Classification Scheme 2023. Collection method: clinical testing. Allele origin: germline.
Comment: The p.A34T variant (also known as c.100G>A), located in coding exon 1 of the TMEM127 gene, results from a G to A substitution at nucleotide position 100. The alanine at codon 34 is replaced by threonine, an amino acid with similar properties. This amino acid position is conserved. In addition, this alteration is predicted to be deleterious by in silico analysis. Since supporting evidence is limited at this time, the clinical significance of this alteration remains unclear.

Labcorp Genetics (formerly Invitae), Labcorp
Classification: Uncertain significance for Hereditary pheochromocytoma and paraganglioma. Last evaluated: 2021-05-18. Review status: criteria provided, single submitter. Criteria: Invitae Variant Classification Sherloc (09022015). Collection method: clinical testing. Allele origin: germline.
Comment: In summary, this variant is a novel missense change with uncertain impact on protein function. It has been classified as a Variant of Uncertain Significance. Algorithms developed to predict the effect of missense changes on protein structure and function do not agree on the potential impact of this missense change (SIFT: "Deleterious"; PolyPhen-2: "Probably Damaging"; Align-GVGD: "Class C0"). While this variant is not present in population databases, the frequency information is unreliable, as metrics indicate poor data quality at this position in the ExAC database. This variant has not been reported in the literature in individuals with a TMEM127-related disease. This sequence change replaces alanine with threonine at codon 34 of the TMEM127 protein (p.Ala34Thr). The alanine residue is highly conserved and there is a small physicochemical difference between alanine and threonine.